The following is an entry in ClinVar:

ClinVar aggregate classification (germline): Likely benign (1 of 4 stars; one submission).

Allele frequency attached by ClinVar (database versions not stated): gnomAD exomes 0.00001.
gnomAD v4.1: 5 of 1,209,241 alleles (0.00041%); highest among the groups gnomAD compares: Non-Finnish European, 0.00056%; no homozygotes.

Submission:

CeGaT Center for Human Genetics Tuebingen
Classification: Likely benign. Last evaluated: 2023-12-01. Review status: criteria provided, single submitter. Criteria: CeGaT Center For Human Genetics Tuebingen Variant Classification Criteria Version 2. Collection method: clinical testing. Allele origin: germline. Affected: yes. Observed: 1 variant allele.
Comment: SYP: BP4, BP7

NM_003179.3(SYP):c.138C>T (p.Ser46=)

Gene: SYP (synaptophysin; minus strand). Cytogenetic location: Xp11.23.
Variant type: single nucleotide variant.
Coding change: c.138C>T on transcript NM_003179.3 (MANE Select); coding-DNA position 138, C replaced by T.
Protein change: p.Ser46=; no amino-acid change (serine 46 retained).
Molecular consequence: synonymous variant.
Genome position (GRCh38, 1-based): chrX:49,197,804, G>A on the plus strand (C>T on the coding strand, the complement: SYP is on the minus strand). VCF-style: chrX-49197804-G-A. GRCh37 (hg19) VCF-style: chrX-49054263-G-A.
Identifiers: ClinVar variation 3025801 (VCV003025801.22), dbSNP rs939513444, ClinGen allele CA329132215.